The following is an entry in ClinVar:

NM_006662.3(SRCAP):c.4207G>A (p.Val1403Met)

Gene: SRCAP (Snf2 related CREBBP activator protein; plus strand). Cytogenetic location: 16p11.2.
Variant type: single nucleotide variant.
Coding change: c.4207G>A on transcript NM_006662.3 (MANE Select); coding-DNA position 4207, G replaced by A.
Protein change: p.Val1403Met; replaces valine 1403 with methionine.
Molecular consequence: missense variant.
Genome position (GRCh38, 1-based): chr16:30,723,631, G>A. VCF-style: chr16-30723631-G-A. GRCh37 (hg19) VCF-style: chr16-30734952-G-A.
Other names: short protein forms V1403M.
Identifiers: ClinVar variation 3716023 (VCV003716023.3).
Genomic context (GRCh38, chr16:30,723,631, plus strand): 5'-TCTCTCTCCACAGCTTCAGCCCCCGGAGCTGCCCCCTTGACCATCTCTTCTCCTCTCCAC[G>A]TGCCATCCTCCCTCCCTGGGCCAGCCTCTTCTCCAATGCCAATTCCCAACTCCTCTCCCC-3'
Protein context (NP_006653.2, residues 1393-1413): APLTISSPLH[Val1403Met]PSSLPGPASS

ClinVar aggregate classification (germline): Uncertain significance. Review status: criteria provided, multiple submitters, no conflicts (2 of 4 stars). 2 submissions from 2 submitters: Uncertain significance (2). Last evaluated 2026-04-22.

Conditions:
Monogenic short statue.

Submissions (2):

NHS Central & South Genomic Laboratory Hub
Classification: Uncertain significance for Monogenic short statue. Last evaluated: 2026-04-22. Review status: criteria provided, single submitter. Criteria: ACMG Guidelines, 2015. Collection method: clinical testing. Allele origin: germline. Affected: yes.

Labcorp Genetics (formerly Invitae), Labcorp
Classification: Uncertain significance. Last evaluated: 2025-08-17. Review status: criteria provided, single submitter. Criteria: Invitae Variant Classification Sherloc (09022015). Collection method: clinical testing. Allele origin: germline.
Comment: This sequence change replaces valine, which is neutral and non-polar, with methionine, which is neutral and non-polar, at codon 1403 of the SRCAP protein (p.Val1403Met). This variant is present in population databases (rs565279648, gnomAD 0.003%). This variant has not been reported in the literature in individuals affected with SRCAP-related conditions. ClinVar contains an entry for this variant (Variation ID: 3716023). Invitae Evidence Modeling of protein sequence and biophysical properties (such as structural, functional, and spatial information, amino acid conservation, physicochemical variation, residue mobility, and thermodynamic stability) indicates that this missense variant is not expected to disrupt SRCAP protein function with a negative predictive value of 80%. In summary, the available evidence is currently insufficient to determine the role of this variant in disease. Therefore, it has been classified as a Variant of Uncertain Significance.